The following is an entry in ClinVar:

ClinVar aggregate classification (germline): Uncertain significance. Review status: criteria provided, multiple submitters, no conflicts (2 of 4 stars). 3 submissions from 3 submitters: Uncertain significance (3). Last evaluated 2025-04-23.

Conditions:
Inborn genetic diseases. Identifiers: MedGen C0950123, MeSH D030342.

gnomAD v4.1: 3 of 1,614,090 alleles (0.00019%); highest among the groups gnomAD compares: East Asian, 0.0022%; no homozygotes.

Submissions (3):

Labcorp Genetics (formerly Invitae), Labcorp
Classification: Uncertain significance. Last evaluated: 2025-04-23. Review status: criteria provided, single submitter. Criteria: Invitae Variant Classification Sherloc (09022015). Collection method: clinical testing. Allele origin: germline.
Comment: This sequence change replaces valine, which is neutral and non-polar, with glycine, which is neutral and non-polar, at codon 647 of the ANKRD26 protein (p.Val647Gly). This variant is not present in population databases (gnomAD no frequency). This variant has not been reported in the literature in individuals affected with ANKRD26-related conditions. ClinVar contains an entry for this variant (Variation ID: 2888659). An algorithm developed to predict the effect of missense changes on protein structure and function (PolyPhen-2) suggests that this variant is likely to be disruptive. In summary, the available evidence is currently insufficient to determine the role of this variant in disease. Therefore, it has been classified as a Variant of Uncertain Significance.

Ambry Genetics
Classification: Uncertain significance for Inborn genetic diseases. Last evaluated: 2024-12-12. Review status: criteria provided, single submitter. Criteria: Ambry Variant Classification Scheme 2023. Collection method: clinical testing. Allele origin: germline.
Comment: The p.V647G variant (also known as c.1940T>G), located in coding exon 18 of the ANKRD26 gene, results from a T to G substitution at nucleotide position 1940. The valine at codon 647 is replaced by glycine, an amino acid with dissimilar properties. This amino acid position is conserved. In addition, this alteration is predicted to be tolerated by in silico analysis. Based on the available evidence, the clinical significance of this variant remains unclear.

GeneDx
Classification: Uncertain significance. Last evaluated: 2023-11-26. Review status: criteria provided, single submitter. Criteria: GeneDx Variant Classification Process June 2021. Collection method: clinical testing. Allele origin: germline. Affected: yes.
Comment: Not observed at significant frequency in large population cohorts (gnomAD); In silico analysis supports that this missense variant has a deleterious effect on protein structure/function; Has not been previously published as pathogenic or benign to our knowledge

NM_014915.3(ANKRD26):c.1940T>G (p.Val647Gly)

Gene: ANKRD26 (ankyrin repeat domain 26; minus strand). Cytogenetic location: 10p12.1.
Variant type: single nucleotide variant.
Coding change: c.1940T>G on transcript NM_014915.3 (MANE Select); coding-DNA position 1940, T replaced by G.
Protein change: p.Val647Gly; replaces valine 647 with glycine.
Molecular consequence: missense variant.
Genome position (GRCh38, 1-based): chr10:27,046,398, A>C on the plus strand (T>G on the coding strand, the complement: ANKRD26 is on the minus strand). VCF-style: chr10-27046398-A-C. GRCh37 (hg19) VCF-style: chr10-27335327-A-C.
Other names: c.1937T>G, p.Val646Gly (NM_001256053.2); short protein forms V647G, V646G.
Identifiers: ClinVar variation 2888659 (VCV002888659.6), dbSNP rs368004242, ClinGen allele CA204411111.